The following is an entry in ClinVar:

NM_000057.4(BLM):c.20A>G (p.Asn7Ser)

Gene: BLM (BLM RecQ like helicase; plus strand). Cytogenetic location: 15q26.1.
Variant type: single nucleotide variant.
Coding change: c.20A>G on transcript NM_000057.4 (MANE Select); coding-DNA position 20, A replaced by G.
Protein change: p.Asn7Ser; replaces asparagine 7 with serine.
Molecular consequence: missense variant. On other transcripts: 5 prime UTR variant (1).
Genome position (GRCh38, 1-based): chr15:90,747,412, A>G. VCF-style: chr15-90747412-A-G. GRCh37 (hg19) VCF-style: chr15-91290642-A-G.
Other names: c.20A>G, p.Asn7Ser (NM_001287246.2, NM_001287247.2); c.-1272A>G (NM_001287248.2); short protein forms N7S.
Identifiers: ClinVar variation 2586904 (VCV002586904.2), dbSNP rs2505384820, ClinGen allele CA393838794.

ClinVar aggregate classification (germline): Uncertain significance (1 of 4 stars; one submission).

Conditions:
Hereditary cancer-predisposing syndrome. Also called: Hereditary neoplastic syndrome; Tumor predisposition; Hereditary Cancer Syndrome; Neoplastic Syndromes, Hereditary. Identifiers: Orphanet 140162, MedGen C0027672, MeSH D009386, MONDO:0015356.

Submission:

Ambry Genetics
Classification: Uncertain significance for Hereditary cancer-predisposing syndrome. Last evaluated: 2023-09-05. Review status: criteria provided, single submitter. Criteria: Ambry Variant Classification Scheme 2023. Collection method: clinical testing. Allele origin: germline.
Comment: The p.N7S variant (also known as c.20A>G), located in coding exon 1 of the BLM gene, results from an A to G substitution at nucleotide position 20. The asparagine at codon 7 is replaced by serine, an amino acid with highly similar properties. This amino acid position is conserved. In addition, this alteration is predicted to be tolerated by in silico analysis. Since supporting evidence is limited at this time, the clinical significance of this alteration remains unclear.